The following is an entry in ClinVar:

ClinVar aggregate classification (germline): Uncertain significance (1 of 4 stars; one submission).

Conditions:
Recessive dystrophic epidermolysis bullosa (RDEB). Also called: Epidermolysis Bullosa Distrophica Autosomal Recessive (RDEB); Recessive DEB (RDEB); DYSTROPHIC EPIDERMOLYSIS BULLOSA, AUTOSOMAL RECESSIVE; EPIDERMOLYSIS BULLOSA DYSTROPHICA, HALLOPEAU-SIEMENS TYPE; severe generalized recessive dystrophic epidermolysis bullosa; epidermolysis bullosa dystrophica, autosomal recessive. Identifiers: Orphanet 79408, Orphanet 79409, MedGen C0079474, MONDO:0009179, OMIM 226600.

Submission:

Myriad Genetics, Inc.
Classification: Uncertain significance for Recessive dystrophic epidermolysis bullosa. Last evaluated: 2026-03-30. Review status: criteria provided, single submitter. Criteria: Myriad Autosomal Dominant, Autosomal Recessive and X-Linked Classification Criteria (2023). Collection method: clinical testing. Allele origin: unknown.
Comment: NM_000094.3(COL7A1):c.4722+1G>A is a variant in a canonical splice site classified as a variant of uncertain significance in the context of dystrophic epidermolysis bullosa. c.4722+1G>A has not been observed in cases with relevant disease. Relevant functional assessments of this variant are not available in the literature. c.4722+1G>A has not been observed in referenced population frequency databases. In summary, there is insufficient evidence to classify NM_000094.3(COL7A1):c.4722+1G>A as pathogenic or benign. Please note: this variant was assessed in the context of healthy population screening.

NM_000094.4(COL7A1):c.4722+1G>A

Gene: COL7A1 (collagen type VII alpha 1 chain; minus strand). Cytogenetic location: 3p21.31.
Variant type: single nucleotide variant.
Coding change: c.4722+1G>A on transcript NM_000094.4 (MANE Select); the canonical splice donor site of the intron after coding-DNA position 4722, G replaced by A.
Molecular consequence: splice donor variant.
Genome position (GRCh38, 1-based): chr3:48,581,705, C>T on the plus strand (G>A on the coding strand, the complement: COL7A1 is on the minus strand). VCF-style: chr3-48581705-C-T. GRCh37 (hg19) VCF-style: chr3-48619138-C-T.
Identifiers: ClinVar variation 5004565 (VCV005004565.1).
Genomic context (GRCh38, chr3:48,581,705, plus strand): 5'-GGATAAGAAGTCAGGAAGACAACCTTCACCAACTGCCCCCTAAACACTTCGCTTCACTTA[C>T]CCGTTCCCCTTGGACTCCGGTAGCTCCTCTGGGCCCAGCGGGCCCCACATCTCCCTGGAG-3'